The following is an entry in ClinVar:

ClinVar aggregate classification (germline): Uncertain significance. Review status: criteria provided, multiple submitters, no conflicts (2 of 4 stars). 2 submissions from 2 submitters: Uncertain significance (2). Last evaluated 2025-08-24.

Allele frequency attached by ClinVar (database versions not stated): gnomAD 0.00001; gnomAD exomes 0.00001; TOPMed 0.00003.

Submissions (2):

Ambry Genetics
Classification: Uncertain significance. Last evaluated: 2025-08-24. Review status: criteria provided, single submitter. Criteria: Ambry Variant Classification Scheme 2023. Collection method: clinical testing. Allele origin: germline.

Labcorp Genetics (formerly Invitae), Labcorp
Classification: Uncertain significance. Last evaluated: 2022-08-22. Review status: criteria provided, single submitter. Criteria: Invitae Variant Classification Sherloc (09022015). Collection method: clinical testing. Allele origin: germline.
Comment: ClinVar contains an entry for this variant (Variation ID: 1040193). This variant has not been reported in the literature in individuals affected with CLCC1-related conditions. This variant is not present in population databases (gnomAD no frequency). This sequence change replaces asparagine, which is neutral and polar, with serine, which is neutral and polar, at codon 94 of the CLCC1 protein (p.Asn94Ser). Algorithms developed to predict the effect of missense changes on protein structure and function are either unavailable or do not agree on the potential impact of this missense change (SIFT: "Tolerated"; PolyPhen-2: "Possibly Damaging"; Align-GVGD: "Class C0"). In summary, the available evidence is currently insufficient to determine the role of this variant in disease. Therefore, it has been classified as a Variant of Uncertain Significance.

NM_001377458.1(CLCC1):c.281A>G (p.Asn94Ser)

Gene: CLCC1 (chloride channel CLIC like 1; minus strand). Cytogenetic location: 1p13.3.
Variant type: single nucleotide variant.
Coding change: c.281A>G on transcript NM_001377458.1 (MANE Select); coding-DNA position 281, A replaced by G.
Protein change: p.Asn94Ser; replaces asparagine 94 with serine.
Molecular consequence: missense variant. On other transcripts: 5 prime UTR variant (1), non-coding transcript variant (1).
Genome position (GRCh38, 1-based): chr1:108,947,669, T>C on the plus strand (A>G on the coding strand, the complement: CLCC1 is on the minus strand). VCF-style: chr1-108947669-T-C. GRCh37 (hg19) VCF-style: chr1-109490291-T-C.
Other names: c.281A>G, p.Asn94Ser (NM_001048210.3, NM_001278202.2, NM_001278203.1 and 11 more transcripts); c.179A>G, p.Asn60Ser (NM_001377469.1); c.-182A>G (NM_001377470.1); c.281A>G (NM_001048210.1); short protein forms N94S, N60S.
Identifiers: ClinVar variation 1040193 (VCV001040193.6), dbSNP rs1355742869, ClinGen allele CA341465477.